The following is an entry in ClinVar:

NM_000038.6(APC):c.3254A>C (p.Lys1085Thr)

Gene: APC (APC regulator of Wnt signaling pathway; plus strand). Cytogenetic location: 5q22.2.
Variant type: single nucleotide variant.
Coding change: c.3254A>C on transcript NM_000038.6 (MANE Select); coding-DNA position 3254, A replaced by C.
Protein change: p.Lys1085Thr; replaces lysine 1085 with threonine.
Molecular consequence: missense variant.
Genome position (GRCh38, 1-based): chr5:112,838,848, A>C. VCF-style: chr5-112838848-A-C. GRCh37 (hg19) VCF-style: chr5-112174545-A-C.
Other names: c.3254A>C, p.Lys1085Thr (NM_001127510.3, NM_001354895.2); c.3200A>C, p.Lys1067Thr (NM_001127511.3); c.3308A>C, p.Lys1103Thr (NM_001354896.2); c.3284A>C, p.Lys1095Thr (NM_001354897.2); c.3179A>C, p.Lys1060Thr (NM_001354898.2); c.3170A>C, p.Lys1057Thr (NM_001354899.2); c.3131A>C, p.Lys1044Thr (NM_001354900.2); c.3077A>C, p.Lys1026Thr (NM_001354901.2); and 5 more; short protein forms K1067T, K1085T, K1026T, K1044T, K1095T, K1057T, K1060T, K802T.
Identifiers: ClinVar variation 573053 (VCV000573053.19), dbSNP rs1561583350, ClinGen allele CA16028471.

ClinVar aggregate classification (germline): Uncertain significance. Review status: criteria provided, multiple submitters, no conflicts (2 of 4 stars). 4 submissions from 4 submitters: Uncertain significance (4). Last evaluated 2025-05-03.

Conditions:
Hereditary cancer-predisposing syndrome. Also called: Neoplastic Syndromes, Hereditary; Hereditary Cancer Syndrome; Tumor predisposition; Hereditary neoplastic syndrome. Identifiers: Orphanet 140162, MedGen C0027672, MeSH D009386, MONDO:0015356.
Familial adenomatous polyposis 1 (FAP1). Also called: POLYPOSIS, ADENOMATOUS INTESTINAL; FAMILIAL ADENOMATOUS POLYPOSIS 1, ATTENUATED. Identifiers: MedGen C2713442, MONDO:0021056, OMIM 175100. Disease mechanism: loss of function.
Classic or attenuated familial adenomatous polyposis. Identifiers: MedGen CN372698, MONDO:0021057.

Allele frequency attached by ClinVar (database versions not stated): gnomAD exomes below 0.00001; TOPMed below 0.00001; gnomAD 0.00001.
gnomAD v4.1: 2 of 1,614,044 alleles (0.00012%); highest among the groups gnomAD compares: Non-Finnish European, 0.00017%; no homozygotes.

Submissions (4):

Ambry Genetics
Classification: Uncertain significance for Hereditary cancer-predisposing syndrome. Last evaluated: 2025-05-03. Review status: criteria provided, single submitter. Criteria: Ambry Variant Classification Scheme 2023. Collection method: clinical testing. Allele origin: germline.
Comment: The p.K1085T variant (also known as c.3254A>C), located in coding exon 15 of the APC gene, results from an A to C substitution at nucleotide position 3254. The lysine at codon 1085 is replaced by threonine, an amino acid with similar properties. This amino acid position is highly conserved in available vertebrate species. In addition, in silico predictors for this gene do not accurately predict pathogenicity. Since supporting evidence is limited at this time, the clinical significance of this alteration remains unclear.

Labcorp Genetics (formerly Invitae), Labcorp
Classification: Uncertain significance for Familial adenomatous polyposis 1. Last evaluated: 2024-04-24. Review status: criteria provided, single submitter. Criteria: Invitae Variant Classification Sherloc (09022015). Collection method: clinical testing. Allele origin: germline.
Comment: This sequence change replaces lysine, which is basic and polar, with threonine, which is neutral and polar, at codon 1085 of the APC protein (p.Lys1085Thr). This variant is not present in population databases (gnomAD no frequency). This variant has not been reported in the literature in individuals affected with APC-related conditions. ClinVar contains an entry for this variant (Variation ID: 573053). Advanced modeling of protein sequence and biophysical properties (such as structural, functional, and spatial information, amino acid conservation, physicochemical variation, residue mobility, and thermodynamic stability) performed at Invitae indicates that this missense variant is not expected to disrupt APC protein function with a negative predictive value of 95%. In summary, the available evidence is currently insufficient to determine the role of this variant in disease. Therefore, it has been classified as a Variant of Uncertain Significance.

All of Us Research Program, National Institutes of Health
Classification: Uncertain significance for Classic or attenuated familial adenomatous polyposis. Last evaluated: 2023-04-03. Review status: criteria provided, single submitter. Criteria: ACMG Guidelines, 2015. Collection method: clinical testing. Allele origin: germline. Inheritance: Autosomal dominant inheritance. Observed: 1 variant allele, 1 heterozygote.
Comment: This missense variant replaces lysine with threonine at codon 1085 of the APC protein. Computational prediction suggests that this variant may not impact protein structure and function (internally defined REVEL score threshold <= 0.5, PMID: 27666373). To our knowledge, functional studies have not been reported for this variant. This variant has not been reported in individuals affected with APC-related disorders in the literature. This variant has not been identified in the general population by the Genome Aggregation Database (gnomAD). The available evidence is insufficient to determine the role of this variant in disease conclusively. Therefore, this variant is classified as a Variant of Uncertain Significance.

This study involves interpretation of variants in research participants for the purpose of population health screening. Participant phenotype was not available at the time of variant classification. Additional details can be found in publication PMID: 35346344, PMCID: PMC8962531

GeneDx
Classification: Uncertain significance. Last evaluated: 2023-01-18. Review status: criteria provided, single submitter. Criteria: GeneDx Variant Classification Process June 2021. Collection method: clinical testing. Allele origin: germline. Affected: yes.
Comment: Not observed at significant frequency in large population cohorts (gnomAD); In silico analysis supports that this missense variant does not alter protein structure/function; Has not been previously published as pathogenic or benign to our knowledge; This variant is associated with the following publications: (PMID: 18199528)